The following is an entry in ClinVar:

ClinVar aggregate classification (germline): Uncertain significance (1 of 4 stars; one submission).

Submission:

Labcorp Genetics (formerly Invitae), Labcorp
Classification: Uncertain significance. Last evaluated: 2022-07-19. Review status: criteria provided, single submitter. Criteria: Invitae Variant Classification Sherloc (09022015). Collection method: clinical testing. Allele origin: germline.
Comment: In summary, the available evidence is currently insufficient to determine the role of this variant in disease. Therefore, it has been classified as a Variant of Uncertain Significance. Algorithms developed to predict the effect of missense changes on protein structure and function (SIFT, PolyPhen-2, Align-GVGD) all suggest that this variant is likely to be disruptive. This missense change has been observed in individual(s) with retinitis pigmentosa (Invitae). This variant is not present in population databases (gnomAD no frequency). This sequence change replaces serine, which is neutral and polar, with arginine, which is basic and polar, at codon 99 of the RP2 protein (p.Ser99Arg).

NM_006915.3(RP2):c.297C>A (p.Ser99Arg)

Gene: RP2 (RP2 activator of ARL3 GTPase; plus strand). Cytogenetic location: Xp11.3.
Variant type: single nucleotide variant.
Coding change: c.297C>A on transcript NM_006915.3 (MANE Select); coding-DNA position 297, C replaced by A.
Protein change: p.Ser99Arg; replaces serine 99 with arginine.
Molecular consequence: missense variant.
Genome position (GRCh38, 1-based): chrX:46,853,670, C>A. VCF-style: chrX-46853670-C-A. GRCh37 (hg19) VCF-style: chrX-46713105-C-A.
Other names: short protein forms S99R.
Identifiers: ClinVar variation 2097554 (VCV002097554.4), dbSNP rs782310446, ClinGen allele CA413039220.